The following is an entry in ClinVar:

NM_003000.3(SDHB):c.746G>T (p.Cys249Phe)

Gene: SDHB (succinate dehydrogenase complex iron sulfur subunit B; minus strand). Cytogenetic location: 1p36.13.
Variant type: single nucleotide variant.
Coding change: c.746G>T on transcript NM_003000.3 (MANE Select); coding-DNA position 746, G replaced by T.
Protein change: p.Cys249Phe; replaces cysteine 249 with phenylalanine.
Molecular consequence: missense variant.
Genome position (GRCh38, 1-based): chr1:17,022,627, C>A on the plus strand (G>T on the coding strand, the complement: SDHB is on the minus strand). VCF-style: chr1-17022627-C-A. GRCh37 (hg19) VCF-style: chr1-17349122-C-A.
Other names: p.Cys249Phe; c.692G>T, p.Cys231Phe (NM_001407361.1); short protein forms C249F, C231F.
Identifiers: ClinVar variation 2562719 (VCV002562719.3), dbSNP rs1064794269, ClinGen allele CA338270039.

ClinVar aggregate classification (germline): Conflicting classifications of pathogenicity. Review status: criteria provided, conflicting classifications (1 of 4 stars). 2 submissions from 2 submitters: Likely pathogenic (1); Uncertain significance (1). Last evaluated 2024-07-08.

Conditions:
Hereditary cancer-predisposing syndrome. Also called: Neoplastic Syndromes, Hereditary; Hereditary Cancer Syndrome; Hereditary neoplastic syndrome; Tumor predisposition. Identifiers: Orphanet 140162, MedGen C0027672, MeSH D009386, MONDO:0015356.

Submissions (2):

Mayo Clinic Laboratories, Mayo Clinic
Classification: Uncertain significance. Last evaluated: 2024-07-08. Review status: criteria provided, single submitter. Criteria: ACMG Guidelines, 2015. Collection method: clinical testing. Allele origin: germline. Observed: 1 variant allele.
Comment: PP3, PM2

Ambry Genetics
Classification: Likely pathogenic for Hereditary cancer-predisposing syndrome. Last evaluated: 2023-06-08. Review status: criteria provided, single submitter. Criteria: Ambry Variant Classification Scheme 2023. Collection method: clinical testing. Allele origin: germline.
Comment: The p.C249F variant (also known as c.746G>T), located in coding exon 7 of the SDHB gene, results from a G to T substitution at nucleotide position 746. The cysteine at codon 249 is replaced by phenylalanine, an amino acid with highly dissimilar properties. In one study, this alteration was identified in an unaffected individual from a cohort of asymptomatic relatives of patients diagnosed with pheochromocytoma/paraganglioma (Jochmanova I et al. J Cancer Res Clin Oncol. 2017 Aug;143:1421-1435). This alteration has been observed in at least one individual with a personal and/or family history that is consistent with SDHB-related disease (Ambry internal data). Another alteration at the same codon, p.C249Y (c.746G>A), has been described in individuals with paragangliomas/pheochromocytomas (Burnichon N et al. J Clin Endocrinol Metab. 2009 Aug;94(8):2817-27; Saie C et al. J Clin Endocrinol Metab. 2021 Mar;106(3):e1301-e1315; Garrett A et al. Genet Med. 2022 Jan;24(1):41-50). This variant is located in the 4Fe-4S dicluster domain of SDHB, and is expected to be destabilizing to the protein (Ambry internal data). This amino acid position is highly conserved in available vertebrate species. In addition, this alteration is predicted to be deleterious by in silico analysis. This variant is considered to be rare based on population cohorts in the Genome Aggregation Database (gnomAD). Based on the majority of available evidence to date, this variant is likely to be pathogenic.

Literature cited by the submitters: PubMed 28374168 (cited by Mayo Clinic Laboratories, Mayo Clinic and Ambry Genetics).